The following is an entry in ClinVar:

NM_173543.3(DZIP1L):c.870+1G>A

Gene: DZIP1L (DAZ interacting zinc finger protein 1 like; minus strand). Cytogenetic location: 3q22.3.
Variant type: single nucleotide variant.
Coding change: c.870+1G>A on transcript NM_173543.3 (MANE Select); the canonical splice donor site of the intron after coding-DNA position 870, G replaced by A.
Molecular consequence: splice donor variant.
Genome position (GRCh38, 1-based): chr3:138,092,382, C>T on the plus strand (G>A on the coding strand, the complement: DZIP1L is on the minus strand). VCF-style: chr3-138092382-C-T. GRCh37 (hg19) VCF-style: chr3-137811224-C-T.
Other names: c.870+1G>A (NM_001170538.1).
Identifiers: ClinVar variation 2969086 (VCV002969086.3), dbSNP rs752577915, ClinGen allele CA2635140.
Genomic context (GRCh38, chr3:138,092,382, plus strand): 5'-AATTTTGAGAATAAGCAGATTTCCAACAAAGAAACTTTAAAAAGCCTTTTATGTTGGGTA[C>T]CTCTTCTAGTGTAGAGTTCTGCTTGGCGACATTTTTAAATTCATCCCAAAATAATTTTTT-3'

ClinVar aggregate classification (germline): Likely pathogenic (1 of 4 stars; one submission).

Allele frequency attached by ClinVar (database versions not stated): gnomAD exomes below 0.00001; ExAC 0.00001; gnomAD 0.00007; TOPMed 0.00010.
gnomAD v4.1: 15 of 1,539,830 alleles (0.00097%); highest among the groups gnomAD compares: African/African-American, 0.017%; no homozygotes.

Submission:

Labcorp Genetics (formerly Invitae), Labcorp
Classification: Likely pathogenic. Last evaluated: 2023-04-03. Review status: criteria provided, single submitter. Criteria: Invitae Variant Classification Sherloc (09022015). Collection method: clinical testing. Allele origin: germline.
Comment: In summary, the currently available evidence indicates that the variant is pathogenic, but additional data are needed to prove that conclusively. Therefore, this variant has been classified as Likely Pathogenic. Algorithms developed to predict the effect of sequence changes on RNA splicing suggest that this variant may disrupt the consensus splice site. This variant has not been reported in the literature in individuals affected with DZIP1L-related conditions. This variant is present in population databases (rs752577915, gnomAD 0.02%). This sequence change affects a donor splice site in intron 5 of the DZIP1L gene. It is expected to disrupt RNA splicing. Variants that disrupt the donor or acceptor splice site typically lead to a loss of protein function (PMID: 16199547), and loss-of-function variants in DZIP1L are known to be pathogenic (PMID: 28530676).

Literature cited by the submitters: PubMed 16199547; PubMed 28530676.